The following is an entry in ClinVar:

NM_001005373.4(LRSAM1):c.1351G>C (p.Ala451Pro)

Gene: LRSAM1 (leucine rich repeat and sterile alpha motif containing 1; plus strand). Cytogenetic location: 9q33.3.
Variant type: single nucleotide variant.
Coding change: c.1351G>C on transcript NM_001005373.4 (MANE Select); coding-DNA position 1351, G replaced by C.
Protein change: p.Ala451Pro; replaces alanine 451 with proline.
Molecular consequence: missense variant. On other transcripts: non-coding transcript variant (2).
Genome position (GRCh38, 1-based): chr9:127,489,447, G>C. VCF-style: chr9-127489447-G-C. GRCh37 (hg19) VCF-style: chr9-130251726-G-C.
Other names: c.1351G>C, p.Ala451Pro (NM_001005374.4, NM_001190723.3, NM_001384142.1 and 2 more transcripts); c.562G>C, p.Ala188Pro (NM_001384144.1); short protein forms A451P, A188P.
Identifiers: ClinVar variation 3677058 (VCV003677058.2).

ClinVar aggregate classification (germline): Uncertain significance (1 of 4 stars; one submission).

Conditions:
Charcot-Marie-Tooth disease axonal type 2P. Also called: CHARCOT-MARIE-TOOTH NEUROPATHY, TYPE 2P; Charcot-Marie-Tooth Neuropathy Type 2G; CHARCOT-MARIE-TOOTH DISEASE, AXONAL, TYPE 2G; CMT 2G. Identifiers: Orphanet 300319, Orphanet 99941, MedGen C3280797, MONDO:0013753, OMIM 614436.

Submission:

Labcorp Genetics (formerly Invitae), Labcorp
Classification: Uncertain significance for Charcot-Marie-Tooth disease axonal type 2P. Last evaluated: 2025-06-06. Review status: criteria provided, single submitter. Criteria: Invitae Variant Classification Sherloc (09022015). Collection method: clinical testing. Allele origin: germline.
Comment: This sequence change replaces alanine, which is neutral and non-polar, with proline, which is neutral and non-polar, at codon 451 of the LRSAM1 protein (p.Ala451Pro). This variant is present in population databases (rs202166023, gnomAD 0.04%). This variant has not been reported in the literature in individuals affected with LRSAM1-related conditions. ClinVar contains an entry for this variant (Variation ID: 3677058). Invitae Evidence Modeling of protein sequence and biophysical properties (such as structural, functional, and spatial information, amino acid conservation, physicochemical variation, residue mobility, and thermodynamic stability) indicates that this missense variant is not expected to disrupt LRSAM1 protein function with a negative predictive value of 80%. In summary, the available evidence is currently insufficient to determine the role of this variant in disease. Therefore, it has been classified as a Variant of Uncertain Significance.